The following is an entry in ClinVar:

ClinVar aggregate classification (germline): Uncertain significance (1 of 4 stars; one submission).

Conditions:
Early Myoclonic Encephalopathy. Identifiers: MedGen C0270855.

Allele frequency attached by ClinVar (database versions not stated): gnomAD exomes below 0.00001; ExAC 0.00001.
gnomAD v4.1: 2 of 1,613,578 alleles (0.00012%); highest among the groups gnomAD compares: South Asian, 0.0022%; no homozygotes.

Submission:

Labcorp Genetics (formerly Invitae), Labcorp
Classification: Uncertain significance for Early Myoclonic Encephalopathy. Last evaluated: 2020-10-26. Review status: criteria provided, single submitter. Criteria: Invitae Variant Classification Sherloc (09022015). Collection method: clinical testing. Allele origin: germline.
Comment: In summary, the available evidence is currently insufficient to determine the role of this variant in disease. Therefore, it has been classified as a Variant of Uncertain Significance. This sequence change replaces leucine with phenylalanine at codon 2153 of the JMJD1C protein (p.Leu2153Phe). The leucine residue is moderately conserved and there is a small physicochemical difference between leucine and phenylalanine. This variant is present in population databases (rs752775581, ExAC 0.006%). This variant has not been reported in the literature in individuals with JMJD1C-related conditions. Algorithms developed to predict the effect of missense changes on protein structure and function (SIFT, PolyPhen-2, Align-GVGD) all suggest that this variant is likely to be tolerated, but these predictions have not been confirmed by published functional studies and their clinical significance is uncertain.

NM_032776.3(JMJD1C):c.6459A>T (p.Leu2153Phe)

Gene: JMJD1C (jumonji domain containing 1C; minus strand). Cytogenetic location: 10q21.3.
Variant type: single nucleotide variant.
Coding change: c.6459A>T on transcript NM_032776.3 (MANE Select); coding-DNA position 6459, A replaced by T.
Protein change: p.Leu2153Phe; replaces leucine 2153 with phenylalanine.
Molecular consequence: missense variant. On other transcripts: non-coding transcript variant (1).
Genome position (GRCh38, 1-based): chr10:63,189,279, T>A on the plus strand (A>T on the coding strand, the complement: JMJD1C is on the minus strand). VCF-style: chr10-63189279-T-A. GRCh37 (hg19) VCF-style: chr10-64949039-T-A.
Other names: c.5913A>T, p.Leu1971Phe (NM_001282948.2, NM_001318154.2); c.5595A>T, p.Leu1865Phe (NM_001318153.2); c.6345A>T, p.Leu2115Phe (NM_001322252.2); c.5802A>T, p.Leu1934Phe (NM_001322254.2, NM_001322258.2); short protein forms L1934F, L2153F, L1971F, L1865F, L2115F.
Identifiers: ClinVar variation 1045756 (VCV001045756.8), dbSNP rs752775581, ClinGen allele CA5517869.